The following is an entry in ClinVar:

NM_133642.5(LARGE1):c.173G>A (p.Ser58Asn)

Gene: LARGE1 (LARGE xylosyl- and glucuronyltransferase 1; minus strand). Cytogenetic location: 22q12.3.
Variant type: single nucleotide variant.
Coding change: c.173G>A on transcript NM_133642.5 (MANE Select); coding-DNA position 173, G replaced by A.
Protein change: p.Ser58Asn; replaces serine 58 with asparagine.
Molecular consequence: missense variant.
Genome position (GRCh38, 1-based): chr22:33,650,602, C>T on the plus strand (G>A on the coding strand, the complement: LARGE1 is on the minus strand). VCF-style: chr22-33650602-C-T. GRCh37 (hg19) VCF-style: chr22-34046588-C-T.
Other names: c.173G>A, p.Ser58Asn (NM_001362949.2, NM_001362951.2, NM_001362953.2 and 7 more transcripts); short protein forms S58N.
Identifiers: ClinVar variation 1060171 (VCV001060171.6), dbSNP rs774240856, ClinGen allele CA10203136.

ClinVar aggregate classification (germline): Uncertain significance (1 of 4 stars; one submission).

Conditions:
Muscular dystrophy-dystroglycanopathy type B6 (MDDGB6). Also called: MUSCULAR DYSTROPHY-DYSTROGLYCANOPATHY (CONGENITAL WITH IMPAIRED INTELLECTUAL DEVELOPMENT), TYPE B, 6; MUSCULAR DYSTROPHY, CONGENITAL, LARGE-RELATED; MUSCULAR DYSTROPHY, CONGENITAL, TYPE 1D. Identifiers: MedGen C1837229, MONDO:0012138, OMIM 608840.

Allele frequency attached by ClinVar (database versions not stated): gnomAD 0.00001; ExAC 0.00002.
gnomAD v4.1: 10 of 1,604,802 alleles (0.00062%); highest among the groups gnomAD compares: Admixed American, 0.017%; no homozygotes.

Submission:

Labcorp Genetics (formerly Invitae), Labcorp
Classification: Uncertain significance for Muscular dystrophy-dystroglycanopathy type B6. Last evaluated: 2021-09-02. Review status: criteria provided, single submitter. Criteria: Invitae Variant Classification Sherloc (09022015). Collection method: clinical testing. Allele origin: germline.
Comment: This sequence change replaces serine with asparagine at codon 58 of the LARGE1 protein (p.Ser58Asn). The serine residue is moderately conserved and there is a small physicochemical difference between serine and asparagine. This variant is present in population databases (rs774240856, ExAC 0.02%). This variant has not been reported in the literature in individuals affected with LARGE1-related conditions. Algorithms developed to predict the effect of missense changes on protein structure and function (SIFT, PolyPhen-2, Align-GVGD) all suggest that this variant is likely to be tolerated. In summary, the available evidence is currently insufficient to determine the role of this variant in disease. Therefore, it has been classified as a Variant of Uncertain Significance.